The following is an entry in ClinVar:

ClinVar aggregate classification (germline): Uncertain significance. Review status: criteria provided, multiple submitters, no conflicts (2 of 4 stars). 2 submissions from 2 submitters: Uncertain significance (2). Last evaluated 2022-08-23.

Conditions:
Hypertrophic cardiomyopathy 14. Identifiers: MedGen C2750467, MONDO:0013197, OMIM 613251.

Submissions (2):

Labcorp Genetics (formerly Invitae), Labcorp
Classification: Uncertain significance for Hypertrophic cardiomyopathy 14. Last evaluated: 2022-08-23. Review status: criteria provided, single submitter. Criteria: Invitae Variant Classification Sherloc (09022015). Collection method: clinical testing. Allele origin: germline.
Comment: In summary, the available evidence is currently insufficient to determine the role of this variant in disease. Therefore, it has been classified as a Variant of Uncertain Significance. Algorithms developed to predict the effect of missense changes on protein structure and function are either unavailable or do not agree on the potential impact of this missense change (SIFT: "Not Available"; PolyPhen-2: "Benign"; Align-GVGD: "Not Available"). ClinVar contains an entry for this variant (Variation ID: 949882). This variant has not been reported in the literature in individuals affected with MYH6-related conditions. The frequency data for this variant in the population databases is considered unreliable, as metrics indicate poor data quality at this position in the gnomAD database. This sequence change replaces serine, which is neutral and polar, with valine, which is neutral and non-polar, at codon 614 of the MYH6 protein (p.Ser614Val).

Revvity Omics, Revvity
Classification: Uncertain significance. Last evaluated: 2022-04-01. Review status: criteria provided, single submitter. Criteria: ACMG Guidelines, 2015. Collection method: clinical testing. Allele origin: germline.

NM_002471.4(MYH6):c.1840_1841delinsGT (p.Ser614Val)

Gene: MYH6 (myosin heavy chain 6; minus strand). Cytogenetic location: 14q11.2.
Variant type: Indel.
Coding change: c.1840_1841delinsGT on transcript NM_002471.4 (MANE Select); coding-DNA positions 1840 to 1841, TC replaced by GT.
Protein change: p.Ser614Val; replaces serine 614 with valine.
Molecular consequence: missense variant.
Genome position (GRCh38, 1-based): chr14:23,398,778-23,398,779, GA replaced by AC on the plus strand (TC replaced by GT on the coding strand, the reverse complement: MYH6 is on the minus strand). VCF-style: chr14-23398778-GA-AC. GRCh37 (hg19) VCF-style: chr14-23867987-GA-AC.
Other names: short protein forms S614V.
Identifiers: ClinVar variation 949882 (VCV000949882.12), dbSNP rs1891507309, ClinGen allele CA1139663358.
Genomic context (GRCh38, chr14:23,398,778, plus strand): 5'-GCCTGCTTACCAGTATCGGCAGTTGCGTAGGAGGAGAAGAGAGTGGCCATGAGCTTGAGG[GA>AC]GGACTTCTGGTACAGGGCCACAACAGTCTCGTTGAGAGGATCCTTGTTTTTTTCCAGCCA-3'
Protein context (NP_002462.2, residues 604-624): ETVVALYQKS[Ser614Val]LKLMATLFSS